The following is an entry in ClinVar:

ClinVar aggregate classification (germline): Uncertain significance (1 of 4 stars; one submission).

Conditions:
Congenital myotonia, autosomal recessive form. Also called: myotonia congenita, autosomal recessive; BECKER DISEASE; Becker Generalized Myotonia. Identifiers: Orphanet 614, MedGen C0751360, MONDO:0009715, OMIM 255700.
Congenital myotonia, autosomal dominant form (THD). Also called: Myotonia congenita autosomal dominant; THOMSEN DISEASE. Identifiers: Orphanet 614, MedGen C2936781, MONDO:0008055, OMIM 160800.

Allele frequency attached by ClinVar (database versions not stated): gnomAD exomes below 0.00001; TOPMed 0.00002; gnomAD 0.00003.
gnomAD v4.1: 9 of 1,613,744 alleles (0.00056%); highest among the groups gnomAD compares: African/African-American, 0.0013%; no homozygotes.

Submission:

Labcorp Genetics (formerly Invitae), Labcorp
Classification: Uncertain significance for Congenital myotonia, autosomal recessive form; Congenital myotonia, autosomal dominant form. Last evaluated: 2022-07-26. Review status: criteria provided, single submitter. Criteria: Invitae Variant Classification Sherloc (09022015). Collection method: clinical testing. Allele origin: germline.
Comment: This sequence change replaces tyrosine, which is neutral and polar, with histidine, which is basic and polar, at codon 96 of the CLCN1 protein (p.Tyr96His). This variant is present in population databases (no rsID available, gnomAD 0.0009%). This variant has not been reported in the literature in individuals affected with CLCN1-related conditions. ClinVar contains an entry for this variant (Variation ID: 462841). Advanced modeling of protein sequence and biophysical properties (such as structural, functional, and spatial information, amino acid conservation, physicochemical variation, residue mobility, and thermodynamic stability) performed at Invitae indicates that this missense variant is not expected to disrupt CLCN1 protein function. In summary, the available evidence is currently insufficient to determine the role of this variant in disease. Therefore, it has been classified as a Variant of Uncertain Significance.

NM_000083.3(CLCN1):c.286T>C (p.Tyr96His)

Gene: CLCN1 (chloride voltage-gated channel 1; plus strand). Cytogenetic location: 7q34.
Variant type: single nucleotide variant.
Coding change: c.286T>C on transcript NM_000083.3 (MANE Select); coding-DNA position 286, T replaced by C.
Protein change: p.Tyr96His; replaces tyrosine 96 with histidine.
Molecular consequence: missense variant. On other transcripts: non-coding transcript variant (1).
Genome position (GRCh38, 1-based): chr7:143,319,860, T>C. VCF-style: chr7-143319860-T-C. GRCh37 (hg19) VCF-style: chr7-143016953-T-C.
Other names: short protein forms Y96H.
Identifiers: ClinVar variation 462841 (VCV000462841.6), dbSNP rs1320351683, ClinGen allele CA369681106.